The following is an entry in ClinVar:

ClinVar aggregate classification (germline): Uncertain significance. Review status: criteria provided, multiple submitters, no conflicts (2 of 4 stars). 2 submissions from 2 submitters: Uncertain significance (2). Last evaluated 2025-10-18.

Conditions:
Vici syndrome (VICIS). Identifiers: Orphanet 1493, MedGen C1855772, MONDO:0009452, OMIM 242840.

Allele frequency attached by ClinVar (database versions not stated): gnomAD 0.00001 and 0.00002; gnomAD exomes 0.00001 and 0.00003; ExAC 0.00003; TOPMed 0.00003; 1000 Genomes Project 30x 0.00016; 1000 Genomes Project 0.00020.

Submissions (2):

Labcorp Genetics (formerly Invitae), Labcorp
Classification: Uncertain significance for Vici syndrome. Last evaluated: 2025-10-18. Review status: criteria provided, single submitter. Criteria: Invitae Variant Classification Sherloc (09022015). Collection method: clinical testing. Allele origin: germline.
Comment: This sequence change replaces methionine, which is neutral and non-polar, with valine, which is neutral and non-polar, at codon 1569 of the EPG5 protein (p.Met1569Val). This variant is present in population databases (rs568568831, gnomAD 0.01%). This variant has not been reported in the literature in individuals affected with EPG5-related conditions. ClinVar contains an entry for this variant (Variation ID: 1063747). Invitae Evidence Modeling of protein sequence and biophysical properties (such as structural, functional, and spatial information, amino acid conservation, physicochemical variation, residue mobility, and thermodynamic stability) indicates that this missense variant is not expected to disrupt EPG5 protein function with a negative predictive value of 80%. In summary, the available evidence is currently insufficient to determine the role of this variant in disease. Therefore, it has been classified as a Variant of Uncertain Significance.

GeneDx
Classification: Uncertain significance. Last evaluated: 2023-05-22. Review status: criteria provided, single submitter. Criteria: GeneDx Variant Classification Process June 2021. Collection method: clinical testing. Allele origin: germline. Affected: yes.
Comment: Not observed at significant frequency in large population cohorts (gnomAD); In silico analysis supports that this missense variant does not alter protein structure/function; Has not been previously published as pathogenic or benign to our knowledge

NM_020964.3(EPG5):c.4705A>G (p.Met1569Val)

Gene: EPG5 (ectopic P-granules 5 autophagy tethering factor; minus strand). Cytogenetic location: 18q12.3.
Variant type: single nucleotide variant.
Coding change: c.4705A>G on transcript NM_020964.3 (MANE Select); coding-DNA position 4705, A replaced by G.
Protein change: p.Met1569Val; replaces methionine 1569 with valine.
Molecular consequence: missense variant.
Genome position (GRCh38, 1-based): chr18:45,899,508, T>C on the plus strand (A>G on the coding strand, the complement: EPG5 is on the minus strand). VCF-style: chr18-45899508-T-C. GRCh37 (hg19) VCF-style: chr18-43479473-T-C.
Other names: c.4705A>G (NM_020964.2); short protein forms M1569V.
Identifiers: ClinVar variation 1063747 (VCV001063747.10), dbSNP rs568568831, ClinGen allele CA8948771.